The following is an entry in ClinVar:

NM_182961.4(SYNE1):c.4075A>G (p.Thr1359Ala)

Gene: SYNE1 (spectrin repeat containing nuclear envelope protein 1; minus strand). Cytogenetic location: 6q25.2.
Variant type: single nucleotide variant.
Coding change: c.4075A>G on transcript NM_182961.4 (MANE Select); coding-DNA position 4075, A replaced by G.
Protein change: p.Thr1359Ala; replaces threonine 1359 with alanine.
Molecular consequence: missense variant.
Genome position (GRCh38, 1-based): chr6:152,441,204, T>C on the plus strand (A>G on the coding strand, the complement: SYNE1 is on the minus strand). VCF-style: chr6-152441204-T-C. GRCh37 (hg19) VCF-style: chr6-152762339-T-C.
Other names: c.4096A>G, p.Thr1366Ala (NM_033071.5); short protein forms T1359A, T1366A.
Identifiers: ClinVar variation 497566 (VCV000497566.17), dbSNP rs377718960, ClinGen allele CA4058652.

ClinVar aggregate classification (germline): Uncertain significance. Review status: criteria provided, multiple submitters, no conflicts (2 of 4 stars). 5 submissions from 5 submitters: Uncertain significance (5). Last evaluated 2023-02-20.

Conditions:
Emery-Dreifuss muscular dystrophy 4, autosomal dominant (EDMD4). Also called: EMERY-DREIFUSS MUSCULAR DYSTROPHY 4 WITH VARIABLE FEATURES. Identifiers: Orphanet 261, MedGen C2751807, MONDO:0013071, OMIM 612998.
Autosomal recessive ataxia, Beauce type. Also called: SYNE1-Related Autosomal Recessive Cerebellar Ataxia; Spinocerebellar ataxia, autosomal recessive 8; ATAXIA, RECESSIVE, OF BEAUCE; SYNE1 Deficiency. Identifiers: Orphanet 88644, MedGen C1853116, MONDO:0012549, OMIM 610743.

Allele frequency attached by ClinVar (database versions not stated): gnomAD 0.00004 and 0.00006; gnomAD exomes 0.00004 and 0.00005; ExAC 0.00005; TOPMed 0.00006; ESP Exome Variant Server 0.00008.
gnomAD v4.1: 70 of 1,613,010 alleles (0.0043%); highest among the groups gnomAD compares: Non-Finnish European, 0.0054%; no homozygotes.

Submissions (5):

Athena Diagnostics
Classification: Uncertain significance. Last evaluated: 2023-02-20. Review status: criteria provided, single submitter. Criteria: Athena Diagnostics Criteria. Collection method: clinical testing. Allele origin: unknown.
Comment: Available data are insufficient to determine the clinical significance of the variant at this time. The frequency of this variant in the general population is uninformative in assessment of its pathogenicity. Computational tools predict that this variant is not damaging.

Women's Health and Genetics/Laboratory Corporation of America, LabCorp
Classification: Uncertain significance. Last evaluated: 2022-06-17. Review status: criteria provided, single submitter. Criteria: LabCorp Variant Classification Summary - May 2015. Collection method: clinical testing. Allele origin: germline.
Comment: Variant summary: SYNE1 c.4096A>G (p.Thr1366Ala) results in a non-conservative amino acid change in the encoded protein sequence. Four of five in-silico tools predict a benign effect of the variant on protein function. The variant allele was found at a frequency of 5.2e-05 in 249422 control chromosomes. To our knowledge, no occurrence of c.4096A>G in individuals affected with Emery-Dreifuss Muscular Dystrophy 4, Autosomal Dominant and no experimental evidence demonstrating its impact on protein function have been reported. Three clinical diagnostic laboratories have submitted clinical-significance assessments for this variant to ClinVar after 2014 and all classified the variant as uncertain significance. Based on the evidence outlined above, the variant was classified as uncertain significance.

Labcorp Genetics (formerly Invitae), Labcorp
Classification: Uncertain significance for Emery-Dreifuss muscular dystrophy 4, autosomal dominant; Autosomal recessive ataxia, Beauce type. Last evaluated: 2021-12-02. Review status: criteria provided, single submitter. Criteria: Invitae Variant Classification Sherloc (09022015). Collection method: clinical testing. Allele origin: germline.
Comment: In summary, the available evidence is currently insufficient to determine the role of this variant in disease. Therefore, it has been classified as a Variant of Uncertain Significance. Algorithms developed to predict the effect of missense changes on protein structure and function (SIFT, PolyPhen-2, Align-GVGD) all suggest that this variant is likely to be tolerated. ClinVar contains an entry for this variant (Variation ID: 497566). This variant has not been reported in the literature in individuals affected with SYNE1-related conditions. This variant is present in population databases (rs377718960, gnomAD 0.01%). This sequence change replaces threonine, which is neutral and polar, with alanine, which is neutral and non-polar, at codon 1366 of the SYNE1 protein (p.Thr1366Ala).

Revvity Omics, Revvity
Classification: Uncertain significance. Last evaluated: 2020-07-23. Review status: criteria provided, single submitter. Criteria: ACMG Guidelines, 2015. Collection method: clinical testing. Allele origin: germline.

Eurofins Ntd Llc (ga)
Classification: Uncertain significance. Last evaluated: 2016-10-06. Review status: criteria provided, single submitter. Criteria: EGL Classification Definitions 2015. Collection method: clinical testing. Allele origin: germline. Observed: 1 variant allele, 1 heterozygote.